The following is an entry in ClinVar:

NM_174936.4(PCSK9):c.2015T>A (p.Val672Glu)

Gene: PCSK9 (proprotein convertase subtilisin/kexin type 9; plus strand). Cytogenetic location: 1p32.3.
Variant type: single nucleotide variant.
Coding change: c.2015T>A on transcript NM_174936.4 (MANE Select); coding-DNA position 2015, T replaced by A.
Protein change: p.Val672Glu; replaces valine 672 with glutamic acid.
Molecular consequence: missense variant. On other transcripts: non-coding transcript variant (8).
Genome position (GRCh38, 1-based): chr1:55,063,520, T>A. VCF-style: chr1-55063520-T-A. GRCh37 (hg19) VCF-style: chr1-55529193-T-A.
Other names: c.2138T>A, p.Val713Glu (NM_001407240.1); c.2057T>A, p.Val686Glu (NM_001407241.1); c.2018T>A, p.Val673Glu (NM_001407242.1); c.1958T>A, p.Val653Glu (NM_001407243.1); c.1841T>A, p.Val614Glu (NM_001407244.1); c.1823T>A, p.Val608Glu (NM_001407245.1); c.1640T>A, p.Val547Glu (NM_001407246.1); c.1514T>A, p.Val505Glu (NM_001407247.1); short protein forms V505E, V547E, V608E, V614E, V653E, V672E, V673E, V686E.
Identifiers: ClinVar variation 3387459 (VCV003387459.1).
Genomic context (GRCh38, chr1:55,063,520, plus strand): 5'-ACACGTGTGTAGTCAGGAGCCGGGACGTCAGCACTACAGGCAGCACCAGCGAAGGGGCCG[T>A]GACAGCCGTTGCCATCTGCTGCCGGAGCCGGCACCTGGCGCAGGCCTCCCAGGAGCTCCA-3'
Protein context (NP_777596.2, residues 662-682): STTGSTSEGA[Val672Glu]TAVAICCRSR

ClinVar aggregate classification (germline): Uncertain significance (1 of 4 stars; one submission).

Conditions:
Hypercholesterolemia, autosomal dominant, 3 (FHCL3). Also called: Familial Hypercholesterolemia, Autosomal Dominant, 3; PCSK9-Related Familial Hypercholesterolemia, Autosomal Dominant; Familial hypercholesterolemia 3. Identifiers: MedGen C1863551, MONDO:0011369, OMIM 603776.

Submission:

All of Us Research Program, National Institutes of Health
Classification: Uncertain significance for Hypercholesterolemia, autosomal dominant, 3. Last evaluated: 2024-07-20. Review status: criteria provided, single submitter. Criteria: ACMG Guidelines, 2015. Collection method: clinical testing. Allele origin: germline. Inheritance: Autosomal dominant inheritance. Observed: 1 variant allele, 1 heterozygote.
Comment: This missense variant replaces valine with glutamic acid at codon 672 of the PCSK9 protein. Computational prediction suggests that this variant may not impact protein structure and function (internally defined REVEL score threshold <= 0.5, PMID: 27666373). To our knowledge, functional studies have not been reported for this variant. This variant has not been reported in individuals affected with PCSK9-related disorders in the literature. This variant has not been identified in the general population by the Genome Aggregation Database (gnomAD). The available evidence is insufficient to determine the role of this variant in disease conclusively. Therefore, this variant is classified as a Variant of Uncertain Significance.

This study involves interpretation of variants in research participants for the purpose of population health screening. Participant phenotype was not available at the time of variant classification. Additional details can be found in publication PMID: 35346344, PMCID: PMC8962531